The following is an entry in ClinVar:

NM_004336.5(BUB1):c.7A>C (p.Thr3Pro)

Gene: BUB1 (BUB1 mitotic checkpoint serine/threonine kinase; minus strand). Cytogenetic location: 2q13.
Variant type: single nucleotide variant.
Coding change: c.7A>C on transcript NM_004336.5 (MANE Select); coding-DNA position 7, A replaced by C.
Protein change: p.Thr3Pro; replaces threonine 3 with proline.
Molecular consequence: missense variant.
Genome position (GRCh38, 1-based): chr2:110,677,989, T>G on the plus strand (A>C on the coding strand, the complement: BUB1 is on the minus strand). VCF-style: chr2-110677989-T-G. GRCh37 (hg19) VCF-style: chr2-111435566-T-G.
Other names: c.7A>C, p.Thr3Pro (NM_001278616.2, NM_001278617.2); short protein forms T3P.
Identifiers: ClinVar variation 1761583 (VCV001761583.3), dbSNP rs770025794, ClinGen allele CA348222954.

ClinVar aggregate classification (germline): Uncertain significance (1 of 4 stars; one submission).

Submission:

Ambry Genetics
Classification: Uncertain significance. Last evaluated: 2024-09-15. Review status: criteria provided, single submitter. Criteria: Ambry Variant Classification Scheme 2023. Collection method: clinical testing. Allele origin: germline.
Comment: The p.T3P variant (also known as c.7A>C), located in coding exon 1 of the BUB1 gene, results from an A to C substitution at nucleotide position 7. The threonine at codon 3 is replaced by proline, an amino acid with highly similar properties. This amino acid position is conserved. In addition, this alteration is predicted to be tolerated by in silico analysis. Since supporting evidence is limited at this time, the clinical significance of this alteration remains unclear.